The following is an entry in ClinVar:

NM_004629.2(FANCG):c.1157C>G (p.Pro386Arg)

Gene: FANCG (FA complementation group G; minus strand). Cytogenetic location: 9p13.3.
Variant type: single nucleotide variant.
Coding change: c.1157C>G on transcript NM_004629.2 (MANE Select); coding-DNA position 1157, C replaced by G.
Protein change: p.Pro386Arg; replaces proline 386 with arginine.
Molecular consequence: missense variant.
Genome position (GRCh38, 1-based): chr9:35,075,741, G>C on the plus strand (C>G on the coding strand, the complement: FANCG is on the minus strand). VCF-style: chr9-35075741-G-C. GRCh37 (hg19) VCF-style: chr9-35075738-G-C.
Other names: short protein forms P386R.
Identifiers: ClinVar variation 134360 (VCV000134360.15), dbSNP rs141147618, ClinGen allele CA159597.

ClinVar aggregate classification (germline): Conflicting classifications of pathogenicity. Review status: criteria provided, conflicting classifications (1 of 4 stars). 7 submissions from 7 submitters: Uncertain significance (4); Benign (1). 2 of the submissions do not count toward it. Last evaluated 2025-06-08.

Conditions:
Ovarian cancer. Also called: OVARIAN CANCER, SOMATIC. Identifiers: Orphanet 213500, MedGen C1140680, MONDO:0008170, OMIM 167000.
Fanconi anemia (FA). Also called: Fanconi's anemia. Identifiers: Orphanet 84, MedGen C0015625, MeSH D005199, MONDO:0019391.
Fanconi anemia complementation group G. Also called: FANCG-Related Fanconi Anemia; Fanconi anemia group G. Identifiers: Orphanet 84, MedGen C3469527, MONDO:0013565, OMIM 614082.

Allele frequency attached by ClinVar (database versions not stated): 1000 Genomes Project 0.00020; ESP Exome Variant Server 0.00031; TOPMed 0.00019.

Submissions (7):

Dasa
Classification: Uncertain significance. Last evaluated: 2025-06-08. Review status: criteria provided, single submitter. Criteria: DASA Assertion Criteria. Collection method: clinical testing. Allele origin: germline.
Comment: NM_004629.2(FANCG):c.1157C>G (p.Pro386Arg) is a missense variant that results in the substitution of proline with arginine. This variant is absent from population databases. Computational prediction algorithms are consistent with a benign effect. The currently available literature and clinical evidence are not sufficient to establish a definitive association between this variant and the reported condition. Therefore, this variant is classified as a variant of uncertain significance.

Labcorp Genetics (formerly Invitae), Labcorp
Classification: Uncertain significance for Fanconi anemia. Last evaluated: 2024-10-28. Review status: criteria provided, single submitter. Criteria: Invitae Variant Classification Sherloc (09022015). Collection method: clinical testing. Allele origin: germline.
Comment: This sequence change replaces proline, which is neutral and non-polar, with arginine, which is basic and polar, at codon 386 of the FANCG protein (p.Pro386Arg). This variant is present in population databases (rs141147618, gnomAD 0.06%). This variant has not been reported in the literature in individuals affected with FANCG-related conditions. ClinVar contains an entry for this variant (Variation ID: 134360). Invitae Evidence Modeling of protein sequence and biophysical properties (such as structural, functional, and spatial information, amino acid conservation, physicochemical variation, residue mobility, and thermodynamic stability) indicates that this missense variant is not expected to disrupt FANCG protein function with a negative predictive value of 80%. In summary, the available evidence is currently insufficient to determine the role of this variant in disease. Therefore, it has been classified as a Variant of Uncertain Significance.

Laboratory of Molecular Epidemiology of Birth Defects, West China Second University Hospital, Sichuan University
Classification: Benign for Ovarian cancer. Last evaluated: 2022-01-01. Review status: criteria provided, single submitter. Criteria: ACMG Guidelines, 2015. Collection method: clinical testing. Allele origin: germline. Affected: yes.

Fulgent Genetics
Classification: Uncertain significance for Fanconi anemia complementation group G. Last evaluated: 2021-11-18. Review status: criteria provided, single submitter. Criteria: ACMG Guidelines, 2015. Collection method: clinical testing. Allele origin: unknown.

Mayo Clinic Laboratories, Mayo Clinic
Classification: Uncertain significance. Last evaluated: 2021-01-31. Review status: criteria provided, single submitter. Criteria: ACMG Guidelines, 2015. Collection method: clinical testing. Allele origin: germline. Observed: 1 variant allele.

Natera, Inc.
Classification: Likely benign for Fanconi anemia group G. Last evaluated: 2019-10-28. Review status: no assertion criteria provided. Collection method: clinical testing. Allele origin: germline. Not counted in ClinVar's aggregate classification.

ITMI
No classification provided. Condition: AllHighlyPenetrant. Last evaluated: 2013-09-19. Review status: no classification provided. Collection method: reference population. Allele origin: germline. Not counted in ClinVar's aggregate classification.
Comment: Please see associated publication for description of ethnicities

Literature cited by the submitters: PubMed 24728327 (cited by ITMI).